The following is an entry in ClinVar:

ClinVar aggregate classification (germline): Benign (1 of 4 stars; one submission).

Conditions:
Lymphoproliferative syndrome 1 (LPFS1). Identifiers: Orphanet 238505, Orphanet 538963, MedGen C3552634, MONDO:0013081, OMIM 613011.

Allele frequency attached by ClinVar (database versions not stated): 1000 Genomes Project 0.00519; 1000 Genomes Project 30x 0.00609; TOPMed 0.01512; gnomAD 0.01644 and 0.01731; gnomAD exomes 0.01865.

Submission:

Illumina Laboratory Services, Illumina
Classification: Benign for Lymphoproliferative syndrome 1. Last evaluated: 2018-01-12. Review status: criteria provided, single submitter. Criteria: ICSL Variant Classification Criteria 13 December 2019. Collection method: clinical testing. Allele origin: germline.
Comment: This variant was observed in the ICSL laboratory as part of a predisposition screen in an ostensibly healthy population. It had not been previously curated by ICSL or reported in the Human Gene Mutation Database (HGMD: prior to June 1st, 2018), and was therefore a candidate for classification through an automated scoring system. Utilizing variant allele frequency, disease prevalence and penetrance estimates, and inheritance mode, an automated score was calculated to assess if this variant is too frequent to cause the disease. Based on the score and internal cut-off values, a variant classified as benign is not then subjected to further curation. The score for this variant resulted in a classification of benign for this disease.

NM_005546.4(ITK):c.*386G>A

Gene: ITK (IL2 inducible T cell kinase; plus strand). Cytogenetic location: 5q33.3.
Variant type: single nucleotide variant.
Coding change: c.*386G>A on transcript NM_005546.4 (MANE Select); 386 bases downstream of the stop codon, G replaced by A.
Molecular consequence: 3 prime UTR variant.
Genome position (GRCh38, 1-based): chr5:157,253,064, G>A. VCF-style: chr5-157253064-G-A. GRCh37 (hg19) VCF-style: chr5-156680074-G-A.
Identifiers: ClinVar variation 352481 (VCV000352481.5), dbSNP rs75760314, ClinGen allele CA10623935.